The following is an entry in ClinVar:

NM_003718.5(CDK13):c.4399C>A (p.Gln1467Lys)

Gene: CDK13 (cyclin dependent kinase 13; plus strand). Cytogenetic location: 7p14.1.
Variant type: single nucleotide variant.
Coding change: c.4399C>A on transcript NM_003718.5 (MANE Select); coding-DNA position 4399, C replaced by A.
Protein change: p.Gln1467Lys; replaces glutamine 1467 with lysine.
Molecular consequence: missense variant.
Genome position (GRCh38, 1-based): chr7:40,094,840, C>A. VCF-style: chr7-40094840-C-A. GRCh37 (hg19) VCF-style: chr7-40134439-C-A.
Other names: c.4219C>A, p.Gln1407Lys (NM_031267.4); short protein forms Q1467K, Q1407K.
Identifiers: ClinVar variation 4998137 (VCV004998137.1).

ClinVar aggregate classification (germline): Uncertain significance (1 of 4 stars; one submission).

Conditions:
CDK13-related disorder. Also called: CDK13-related condition. Identifiers: MedGen C5816700.

Submission:

PreventionGenetics, part of Exact Sciences
Classification: Uncertain significance for CDK13-related condition. Last evaluated: 2025-10-15. Review status: criteria provided, single submitter. Criteria: ACMG Guidelines, 2015. Collection method: clinical testing. Allele origin: germline.
Comment: The CDK13 c.4399C>A variant is predicted to result in the amino acid substitution p.Gln1467Lys. To our knowledge, this variant has not been reported in the literature or in a large population database (gnomAD), indicating this variant is rare. At this time, the clinical significance of this variant is uncertain due to the absence of conclusive functional and genetic evidence.